The following is an entry in ClinVar:

ClinVar aggregate classification (germline): Uncertain significance. Review status: criteria provided, multiple submitters, no conflicts (2 of 4 stars). 2 submissions from 2 submitters: Uncertain significance (2). Last evaluated 2025-02-28.

Conditions:
Capillary malformation-arteriovenous malformation syndrome. Also called: Capillary malformation-arteriovenous malformation. Identifiers: Orphanet 137667, MedGen C1842180, MONDO:0012016.

Allele frequency attached by ClinVar (database versions not stated): gnomAD exomes below 0.00001; gnomAD 0.00001.
gnomAD v4.1: 2 of 1,613,926 alleles (0.00012%); highest among the groups gnomAD compares: Non-Finnish European, 0.000085%; no homozygotes.

Submissions (2):

Labcorp Genetics (formerly Invitae), Labcorp
Classification: Uncertain significance for Capillary malformation-arteriovenous malformation syndrome. Last evaluated: 2025-02-28. Review status: criteria provided, single submitter. Criteria: Invitae Variant Classification Sherloc (09022015). Collection method: clinical testing. Allele origin: germline.
Comment: This sequence change replaces arginine, which is basic and polar, with glutamine, which is neutral and polar, at codon 1010 of the RASA1 protein (p.Arg1010Gln). The frequency data for this variant in the population databases is considered unreliable, as metrics indicate poor data quality at this position in the gnomAD database. This variant has not been reported in the literature in individuals affected with RASA1-related conditions. ClinVar contains an entry for this variant (Variation ID: 354529). An algorithm developed to predict the effect of missense changes on protein structure and function (PolyPhen-2) suggests that this variant is likely to be disruptive. In summary, the available evidence is currently insufficient to determine the role of this variant in disease. Therefore, it has been classified as a Variant of Uncertain Significance.

Blueprint Genetics
Classification: Uncertain significance. Last evaluated: 2021-12-15. Review status: criteria provided, single submitter. Criteria: ACMG Guidelines, 2015. Collection method: clinical testing. Allele origin: germline.

NM_002890.3(RASA1):c.3029G>A (p.Arg1010Gln)

Genes: CCNH (cyclin H; minus strand), RASA1 (RAS p21 protein activator 1; plus strand). Cytogenetic location: 5q14.3.
Variant type: single nucleotide variant.
Coding change: c.3029G>A on transcript NM_002890.3 (MANE Select); coding-DNA position 3029, G replaced by A.
Protein change: p.Arg1010Gln; replaces arginine 1010 with glutamine.
Molecular consequence: missense variant. On other transcripts: intron variant (1).
Genome position (GRCh38, 1-based): chr5:87,389,496, G>A. VCF-style: chr5-87389496-G-A. GRCh37 (hg19) VCF-style: chr5-86685313-G-A.
Other names: c.2498G>A, p.Arg833Gln (NM_022650.3); c.933+5548C>T (NM_001364075.2); short protein forms R1010Q, R833Q.
Identifiers: ClinVar variation 354529 (VCV000354529.10), dbSNP rs886060844, ClinGen allele CA10625348.